The following is an entry in ClinVar:

ClinVar aggregate classification (germline): Likely pathogenic (1 of 4 stars; one submission).

Conditions:
Gaucher disease. Also called: Acute cerebral Gaucher disease; Cerebroside lipidosis syndrome; Gaucher splenomegaly; Sphingolipidosis 1; Glucocerebrosidosis; Glucosylceramidase deficiency. Identifiers: Orphanet 355, MedGen C0017205, MONDO:0018150.

Submission:

Natera, Inc.
Classification: Likely pathogenic for Gaucher disease. Last evaluated: 2025-09-21. Review status: criteria provided, single submitter. Criteria: Natera Variant Classification Schema (03/2026). Collection method: clinical testing. Allele origin: germline.
Comment: The c.1604G>C variant in GBA1 is a missense variant predicted to cause substitution of arginine to proline at amino acid 535. This variant is rare in the general population with a frequency below the threshold expected for the associated phenotype(s). This variant has been observed in one or more individuals affected with the associated recessive disease, as either homozygous or compound heterozygous with a second variant (PMID: 23935976). A different variant at the same position has been determined to be Pathogenic or Likely Pathogenic. Computational prediction algorithms indicate this variant is likely to affect gene or protein function. Given the available evidence, this variant is classified as Likely Pathogenic.

Literature cited by the submitters: PubMed 23935976.

NM_000157.4(GBA1):c.1604G>C (p.Arg535Pro)

Genes: GBA1 (glucosylceramidase beta 1; minus strand), LOC106627981 (GBA recombination region; plus strand). Cytogenetic location: 1q22.
Variant type: single nucleotide variant.
Coding change: c.1604G>C on transcript NM_000157.4 (MANE Select); coding-DNA position 1604, G replaced by C.
Protein change: p.Arg535Pro; replaces arginine 535 with proline.
Molecular consequence: missense variant.
Genome position (GRCh38, 1-based): chr1:155,235,002, C>G on the plus strand (G>C on the coding strand, the complement: GBA1 is on the minus strand). VCF-style: chr1-155235002-C-G. GRCh37 (hg19) VCF-style: chr1-155204793-C-G.
Other names: c.1604G>C, p.Arg535Pro (NM_001005741.3, NM_001005742.3); c.1343G>C, p.Arg448Pro (NM_001171811.2); c.1457G>C, p.Arg486Pro (NM_001171812.2); short protein forms R448P, R486P, R535P.
Identifiers: ClinVar variation 4817744 (VCV004817744.1).